The following is an entry in ClinVar:

NM_153704.6(TMEM67):c.1333G>C (p.Val445Leu)

Gene: TMEM67 (transmembrane protein 67; plus strand). Cytogenetic location: 8q22.1.
Variant type: single nucleotide variant.
Coding change: c.1333G>C on transcript NM_153704.6 (MANE Select); coding-DNA position 1333, G replaced by C.
Protein change: p.Val445Leu; replaces valine 445 with leucine.
Molecular consequence: missense variant. On other transcripts: non-coding transcript variant (1).
Genome position (GRCh38, 1-based): chr8:93,786,267, G>C. VCF-style: chr8-93786267-G-C. GRCh37 (hg19) VCF-style: chr8-94798495-G-C.
Other names: c.1090G>C, p.Val364Leu (NM_001142301.1); c.1333G>C (NM_153704.5); short protein forms V364L, V445L.
Identifiers: ClinVar variation 1433009 (VCV001433009.8), dbSNP rs1174323452, ClinGen allele CA371689720.

ClinVar aggregate classification (germline): Uncertain significance. Review status: criteria provided, multiple submitters, no conflicts (2 of 4 stars). 2 submissions from 2 submitters: Uncertain significance (2). Last evaluated 2026-05-26.

Conditions:
TMEM67-related disorder. Also called: TMEM67-related disorders; TMEM67-related condition. Identifiers: MedGen CN239423.
Meckel-Gruber syndrome. Also called: DYSENCEPHALIA SPLANCHNOCYSTICA; GRUBER SYNDROME; Dysencephalia splachnocystica. Identifiers: Orphanet 564, MedGen C0265215, MONDO:0018921.
Joubert syndrome. Also called: JOUBERT-BOLTSHAUSER SYNDROME; Familial aplasia of the vermis. Identifiers: Orphanet 475, MedGen C5979921, MONDO:0018772.

Allele frequency attached by ClinVar (database versions not stated): gnomAD exomes below 0.00001; TOPMed below 0.00001.
gnomAD v4.1: 1 of 1,614,032 alleles (0.000062%); highest among the groups gnomAD compares: Admixed American, 0.0017%; no homozygotes.

Submissions (2):

PreventionGenetics, part of Exact Sciences
Classification: Uncertain significance for TMEM67-related condition. Last evaluated: 2026-05-26. Review status: criteria provided, single submitter. Criteria: ACMG Guidelines, 2015. Collection method: clinical testing. Allele origin: germline.
Comment: The TMEM67 c.1333G>C variant is predicted to result in the amino acid substitution p.Val445Leu. To our knowledge, this variant has not been reported in the literature. This variant is reported in 0.0029% of alleles in individuals of Latino descent in gnomAD. At this time, the clinical significance of this variant is uncertain due to the absence of conclusive functional and genetic evidence.

Labcorp Genetics (formerly Invitae), Labcorp
Classification: Uncertain significance for Joubert syndrome; Meckel-Gruber syndrome. Last evaluated: 2024-02-05. Review status: criteria provided, single submitter. Criteria: Invitae Variant Classification Sherloc (09022015). Collection method: clinical testing. Allele origin: germline.
Comment: This sequence change replaces valine, which is neutral and non-polar, with leucine, which is neutral and non-polar, at codon 445 of the TMEM67 protein (p.Val445Leu). This variant is present in population databases (no rsID available, gnomAD 0.003%). This variant has not been reported in the literature in individuals affected with TMEM67-related conditions. ClinVar contains an entry for this variant (Variation ID: 1433009). Advanced modeling of protein sequence and biophysical properties (such as structural, functional, and spatial information, amino acid conservation, physicochemical variation, residue mobility, and thermodynamic stability) performed at Invitae indicates that this missense variant is expected to disrupt TMEM67 protein function with a positive predictive value of 95%. Algorithms developed to predict the effect of sequence changes on RNA splicing suggest that this variant may create or strengthen a splice site. In summary, the available evidence is currently insufficient to determine the role of this variant in disease. Therefore, it has been classified as a Variant of Uncertain Significance.